The following is an entry in ClinVar:

NM_006531.5(IFT88):c.206A>T (p.Tyr69Phe)

Gene: IFT88 (intraflagellar transport 88; plus strand). Cytogenetic location: 13q12.11.
Variant type: single nucleotide variant.
Coding change: c.206A>T on transcript NM_006531.5 (MANE Select); coding-DNA position 206, A replaced by T.
Protein change: p.Tyr69Phe; replaces tyrosine 69 with phenylalanine.
Molecular consequence: missense variant. On other transcripts: 5 prime UTR variant (1), non-coding transcript variant (3), intron variant (4).
Genome position (GRCh38, 1-based): chr13:20,589,863, A>T. VCF-style: chr13-20589863-A-T. GRCh37 (hg19) VCF-style: chr13-21164002-A-T.
Other names: c.233A>T, p.Tyr78Phe (NM_001318493.2, NM_001353565.2, NM_001353566.2 and 6 more transcripts); c.206A>T, p.Tyr69Phe (NM_001353568.2, NM_001353571.2, NM_001353572.2 and 1 more transcripts); c.-358A>T (NM_001353579.2); c.154-1104A>T (NM_001353575.2, NM_001318491.2, NM_001353573.2 and 1 more transcripts); short protein forms Y69F, Y78F.
Identifiers: ClinVar variation 1908071 (VCV001908071.5), dbSNP rs933345858, ClinGen allele CA387471486.

ClinVar aggregate classification (germline): Uncertain significance (1 of 4 stars; one submission).

Submission:

Labcorp Genetics (formerly Invitae), Labcorp
Classification: Uncertain significance. Last evaluated: 2022-06-19. Review status: criteria provided, single submitter. Criteria: Invitae Variant Classification Sherloc (09022015). Collection method: clinical testing. Allele origin: germline.
Comment: This sequence change replaces tyrosine, which is neutral and polar, with phenylalanine, which is neutral and non-polar, at codon 78 of the IFT88 protein (p.Tyr78Phe). Algorithms developed to predict the effect of missense changes on protein structure and function are either unavailable or do not agree on the potential impact of this missense change (SIFT: "Not Available"; PolyPhen-2: "Benign"; Align-GVGD: "Not Available"). This variant is not present in population databases (gnomAD no frequency). This variant has not been reported in the literature in individuals affected with IFT88-related conditions. In summary, the available evidence is currently insufficient to determine the role of this variant in disease. Therefore, it has been classified as a Variant of Uncertain Significance.